The following is an entry in ClinVar:

NM_001267550.2(TTN):c.57581del (p.His19194fs)

Genes: TTN (titin; minus strand), TTN-AS1 (TTN antisense RNA 1; plus strand). Cytogenetic location: 2q31.2.
Variant type: Deletion.
Coding change: c.57581del on transcript NM_001267550.2 (MANE Select); coding-DNA position 57581, one base deleted (A; older notation c.57581delA).
Protein change: p.His19194fs; shifts the reading frame from histidine 19194.
Molecular consequence: frameshift variant.
Genome position (GRCh38, 1-based): chr2:178,595,773, T deleted on the plus strand (A on the coding strand, the reverse complement: TTN is on the minus strand). VCF-style (leftmost placement, unchanged base first): chr2-178595772-GT-G. GRCh37 (hg19) VCF-style: chr2-179460499-GT-G.
Other names: c.52658del, p.His17553fs (NM_001256850.1); c.30386del, p.His10129fs (NM_003319.4); c.49877del, p.His16626fs (NM_133378.4); c.30761del, p.His10254fs (NM_133432.3); c.30962del, p.His10321fs (NM_133437.4); short protein forms H10129fs, H10254fs, H10321fs, H16626fs, H17553fs, H19194fs.
Identifiers: ClinVar variation 3767128 (VCV003767128.3).

ClinVar aggregate classification (germline): Likely pathogenic (1 of 4 stars; one submission).

Conditions:
Dilated cardiomyopathy 1G (CMD1G). Identifiers: Orphanet 154, MedGen C1858763, MONDO:0011400, OMIM 604145.

Submission:

Juno Genomics, Hangzhou Juno Genomics, Inc
Classification: Likely pathogenic for Dilated cardiomyopathy 1G. Review status: criteria provided, single submitter. Criteria: ACMG Guidelines, 2015. Collection method: clinical testing. Allele origin: germline.
Comment: Absent from controls (or at extremely low frequency if recessive) in Genome Aggregation Database.;Null variant in a gene where loss of function (LOF) is a known mechanism of disease.